The following is an entry in ClinVar:

ClinVar aggregate classification (germline): Likely benign (0 of 4 stars; one submission).

Conditions:
CACNA1D-related disorder.

Submission:

PreventionGenetics, part of Exact Sciences
Classification: Likely benign for CACNA1D-related condition. Last evaluated: 2021-08-18. Review status: no assertion criteria provided. Collection method: clinical testing. Allele origin: germline.
Comment: This variant is classified as likely benign based on ACMG/AMP sequence variant interpretation guidelines (Richards et al. 2015 PMID: 25741868, with internal and published modifications).

NM_001128840.3(CACNA1D):c.4416G>T (p.Arg1472=)

Gene: CACNA1D (calcium voltage-gated channel subunit alpha1 D; plus strand). Cytogenetic location: 3p21.1.
Variant type: single nucleotide variant.
Coding change: c.4416G>T on transcript NM_001128840.3 (MANE Select); coding-DNA position 4416, G replaced by T.
Protein change: p.Arg1472=; no amino-acid change (arginine 1472 retained).
Molecular consequence: synonymous variant.
Genome position (GRCh38, 1-based): chr3:53,776,656, G>T. VCF-style: chr3-53776656-G-T. GRCh37 (hg19) VCF-style: chr3-53810683-G-T.
Other names: c.4476G>T, p.Arg1492= (NM_000720.4); c.4371G>T, p.Arg1457= (NM_001128839.3).
Identifiers: ClinVar variation 3057611 (VCV003057611.2), dbSNP rs1342417723, ClinGen allele CA433802191.
Genomic context (GRCh38, chr3:53,776,656, plus strand): 5'-TTTTCAGATCATCAATCTGTTTGTGGCTGTCATCATGGATAATTTCGACTATCTGACCCG[G>T]GACTGGTCTATTTTGGGGCCTCACCATTTAGATGAATTCAAAAGAATATGGTCAGAATAT-3'
Protein context (NP_001122312.1, residues 1462-1482): VIMDNFDYLT[Arg1472=]DWSILGPHHL